The following is an entry in ClinVar:

NM_001014437.3(CARS1):c.2056C>A (p.Arg686=)

Gene: CARS1 (cysteinyl-tRNA synthetase 1; minus strand). Cytogenetic location: 11p15.4.
Variant type: single nucleotide variant.
Coding change: c.2056C>A on transcript NM_001014437.3 (MANE Select); coding-DNA position 2056, C replaced by A.
Protein change: p.Arg686=; no amino-acid change (arginine 686 retained).
Molecular consequence: synonymous variant. On other transcripts: non-coding transcript variant (4).
Genome position (GRCh38, 1-based): chr11:3,012,207, G>T on the plus strand (C>A on the coding strand, the complement: CARS1 is on the minus strand). VCF-style: chr11-3012207-G-T. GRCh37 (hg19) VCF-style: chr11-3033437-G-T.
Other names: c.2056C>A, p.Arg686= (NM_001194997.2); c.1846C>A, p.Arg616= (NM_001378136.1); c.1777C>A, p.Arg593= (NM_001378137.1, NM_001378138.1, NM_001378139.1 and 1 more transcripts); c.1531C>A, p.Arg511= (NM_001378140.1); c.1807C>A, p.Arg603= (NM_001751.6, NM_139273.4).
Identifiers: ClinVar variation 4990304 (VCV004990304.1).

ClinVar aggregate classification (germline): Likely benign (1 of 4 stars; one submission).

Conditions:
CARS1-related disorder. Also called: CARS1-related condition.

Submission:

PreventionGenetics, part of Exact Sciences
Classification: Likely benign for CARS1-related condition. Last evaluated: 2026-09-23. Review status: criteria provided, single submitter. Criteria: ACMG Guidelines, 2015. Collection method: clinical testing. Allele origin: germline.
Comment: This variant is classified as likely benign based on ACMG/AMP sequence variant interpretation guidelines (Richards et al. 2015 PMID: 25741868, with internal and published modifications).